The following is an entry in ClinVar:

ClinVar aggregate classification (germline): Uncertain significance. Review status: criteria provided, single submitter (1 of 4 stars). 2 submissions from 2 submitters: Uncertain significance (1). 1 of the submissions does not count toward it. Last evaluated 2018-10-12.

Conditions:
SIM1-related disorder. Also called: SIM1-related disorders; SIM1-related condition.
Monogenic diabetes. Identifiers: Orphanet 183625, MedGen C3888631, MONDO:0015967.

Allele frequency attached by ClinVar (database versions not stated): gnomAD 0.00016 and 0.00017; 1000 Genomes Project 30x 0.00047; 1000 Genomes Project 0.00060; TOPMed 0.00017.
gnomAD v4.1: 51 of 1,614,122 alleles (0.0032%); highest among the groups gnomAD compares: African/African-American, 0.033%; no homozygotes.

Submissions (2):

Personalized Diabetes Medicine Program, University of Maryland School of Medicine
Classification: Uncertain significance for Monogenic diabetes. Last evaluated: 2018-10-12. Review status: criteria provided, single submitter. Criteria: ACMG Guidelines, 2015. Collection method: research. Allele origin: unknown. Observed: 1 variant allele, 1 heterozygote.
Comment: ACMG criteria: [Not in functional domain, not previously reported in literature, in 0.04% of gnomAD African, didn't think that was high enough for BS2] = VUS [REVEL 0.253 + PP3/5 predictors + BP4/5 predictors= conflicting evidence, not using]

PreventionGenetics, part of Exact Sciences
Classification: Likely benign for SIM1-related condition. Last evaluated: 2022-03-20. Review status: no assertion criteria provided. Collection method: clinical testing. Allele origin: germline. Not counted in ClinVar's aggregate classification.
Comment: This variant is classified as likely benign based on ACMG/AMP sequence variant interpretation guidelines (Richards et al. 2015 PMID: 25741868, with internal and published modifications).

NM_005068.3(SIM1):c.2107C>T (p.Arg703Trp)

Gene: SIM1 (SIM bHLH transcription factor 1; minus strand). Cytogenetic location: 6q16.3.
Variant type: single nucleotide variant.
Coding change: c.2107C>T on transcript NM_005068.3 (MANE Select); coding-DNA position 2107, C replaced by T.
Protein change: p.Arg703Trp; replaces arginine 703 with tryptophan.
Molecular consequence: missense variant.
Genome position (GRCh38, 1-based): chr6:100,390,555, G>A on the plus strand (C>T on the coding strand, the complement: SIM1 is on the minus strand). VCF-style: chr6-100390555-G-A. GRCh37 (hg19) VCF-style: chr6-100838431-G-A.
Other names: c.2107C>T, p.Arg703Trp (NM_001374769.1); short protein forms R703W.
Identifiers: ClinVar variation 917477 (VCV000917477.4), dbSNP rs532142781, ClinGen allele CA3936874.